The following is an entry in ClinVar:

ClinVar aggregate classification (germline): Uncertain significance. Review status: criteria provided, multiple submitters, no conflicts (2 of 4 stars). 2 submissions from 2 submitters: Uncertain significance (2). Last evaluated 2023-12-12.

Conditions:
X-linked intellectual disability Cabezas type (MRXSC). Also called: MENTAL RETARDATION, X-LINKED, SYNDROMIC 15; Intellectual developmental disorder, X-linked syndromic, Cabezas type; CABEZAS SYNDROME. Identifiers: Orphanet 85289, Orphanet 85293, MedGen C1845861, MONDO:0010306, OMIM 300354.

Submissions (2):

Labcorp Genetics (formerly Invitae), Labcorp
Classification: Uncertain significance for X-linked intellectual disability Cabezas type. Last evaluated: 2023-12-12. Review status: criteria provided, single submitter. Criteria: Invitae Variant Classification Sherloc (09022015). Collection method: clinical testing. Allele origin: germline.
Comment: This variant, c.103_105dup, results in the insertion of 1 amino acid(s) of the CUL4B protein (p.Ala35dup), but otherwise preserves the integrity of the reading frame. This variant is not present in population databases (gnomAD no frequency). This variant has not been reported in the literature in individuals affected with CUL4B-related conditions. ClinVar contains an entry for this variant (Variation ID: 1337302). In summary, the available evidence is currently insufficient to determine the role of this variant in disease. Therefore, it has been classified as a Variant of Uncertain Significance.

Genetic Services Laboratory, University of Chicago
Classification: Uncertain significance. Last evaluated: 2020-01-29. Review status: criteria provided, single submitter. Criteria: ACMG Guidelines, 2015. Collection method: clinical testing. Allele origin: germline. Affected: no.

NM_001079872.2(CUL4B):c.37GCT[6] (p.Ala17dup)

Genes: CUL4B (cullin 4B; minus strand), LOC113845788 (Sharpr-MPRA regulatory region 11856; plus strand). Cytogenetic location: Xq24.
Variant type: Microsatellite.
Coding change: c.37GCT[6] on transcript NM_001079872.2 (MANE Select); six copies in a row of the 3-base unit GCT starting at c.37; the reference has five copies in a row; one copy, 3 bases duplicated.
Protein change: p.Ala17dup; duplicates alanine 17.
Molecular consequence: inframe insertion.
Genome position (GRCh38, 1-based): chrX:120,560,588-120,560,590, AGC duplicated on the plus strand (GCT on the coding strand, the reverse complement: CUL4B is on the minus strand); duplicating any 3 consecutive bases within chrX:120,560,588-120,560,602 gives the same sequence; the position shown is the placement nearest the transcript's 3' end. VCF-style (leftmost placement, unchanged base first): chrX-120560587-G-GAGC. GRCh37 (hg19) VCF-style: chrX-119694442-G-GAGC.
Other names: c.52GCT[6], p.Ala22dup (NM_001330624.2); c.91GCT[6], p.Ala35dup (NM_003588.4).
Identifiers: ClinVar variation 1337302 (VCV001337302.7), dbSNP rs746690704, ClinGen allele CA518448207.